The following is an entry in ClinVar:

ClinVar aggregate classification (germline): Uncertain significance. Review status: criteria provided, multiple submitters, no conflicts (2 of 4 stars). 4 submissions from 4 submitters: Uncertain significance (4). Last evaluated 2025-12-03.

Conditions:
Inborn genetic diseases. Identifiers: MedGen C0950123, MeSH D030342.

Allele frequency attached by ClinVar (database versions not stated): TOPMed 0.00001; gnomAD 0.00003 and 0.00004.
gnomAD v4.1: 40 of 1,436,836 alleles (0.0028%); highest among the groups gnomAD compares: Non-Finnish European, 0.0034%; no homozygotes.

Submissions (4):

Mayo Clinic Laboratories, Mayo Clinic
Classification: Uncertain significance. Last evaluated: 2025-12-03. Review status: criteria provided, single submitter. Criteria: ACMG Guidelines, 2015. Collection method: clinical testing. Allele origin: germline. Observed: 1 variant allele.
Comment: PM2_supporting

CeGaT Center for Human Genetics Tuebingen
Classification: Uncertain significance. Last evaluated: 2022-12-01. Review status: criteria provided, single submitter. Criteria: CeGaT Center For Human Genetics Tuebingen Variant Classification Criteria Version 2. Collection method: clinical testing. Allele origin: germline. Affected: yes. Observed: 1 variant allele.
Comment: NEFH: PP2, PP3

Labcorp Genetics (formerly Invitae), Labcorp
Classification: Uncertain significance. Last evaluated: 2022-09-14. Review status: criteria provided, single submitter. Criteria: Invitae Variant Classification Sherloc (09022015). Collection method: clinical testing. Allele origin: germline.
Comment: In summary, the available evidence is currently insufficient to determine the role of this variant in disease. Therefore, it has been classified as a Variant of Uncertain Significance. Advanced modeling of protein sequence and biophysical properties (such as structural, functional, and spatial information, amino acid conservation, physicochemical variation, residue mobility, and thermodynamic stability) performed at Invitae indicates that this missense variant is not expected to disrupt NEFH protein function. ClinVar contains an entry for this variant (Variation ID: 1421950). This variant has not been reported in the literature in individuals affected with NEFH-related conditions. The frequency data for this variant in the population databases is considered unreliable, as metrics indicate poor data quality at this position in the gnomAD database. This sequence change replaces glutamic acid, which is acidic and polar, with lysine, which is basic and polar, at codon 172 of the NEFH protein (p.Glu172Lys).

Ambry Genetics
Classification: Uncertain significance for Inborn genetic diseases. Last evaluated: 2021-03-16. Review status: criteria provided, single submitter. Criteria: Ambry Variant Classification Scheme 2023. Collection method: clinical testing. Allele origin: germline.
Comment: The p.E172K variant (also known as c.514G>A), located in coding exon 1 of the NEFH gene, results from a G to A substitution at nucleotide position 514. The glutamic acid at codon 172 is replaced by lysine, an amino acid with similar properties. This amino acid position is not well conserved in available vertebrate species. In addition, the in silico prediction for this alteration is inconclusive. Since supporting evidence is limited at this time, the clinical significance of this alteration remains unclear.

Literature cited by the submitters: PubMed 38775181 (cited by Mayo Clinic Laboratories, Mayo Clinic).

NM_021076.4(NEFH):c.514G>A (p.Glu172Lys)

Gene: NEFH (neurofilament heavy chain; plus strand). Cytogenetic location: 22q12.2.
Variant type: single nucleotide variant.
Coding change: c.514G>A on transcript NM_021076.4 (MANE Select); coding-DNA position 514, G replaced by A.
Protein change: p.Glu172Lys; replaces glutamic acid 172 with lysine.
Molecular consequence: missense variant.
Genome position (GRCh38, 1-based): chr22:29,480,776, G>A. VCF-style: chr22-29480776-G-A. GRCh37 (hg19) VCF-style: chr22-29876765-G-A.
Other names: p.Glu172Lys; short protein forms E172K.
Identifiers: ClinVar variation 1421950 (VCV001421950.38), dbSNP rs1176398662, ClinGen allele CA411123013.
Genomic context (GRCh38, chr22:29,480,776, plus strand): 5'-GAGATGCGCGGCGCGGTGCTGCGCCTGGGCGCGGCGCGCGGTCAGCTACGCCTGGAGCAG[G>A]AGCACCTGCTCGAGGACATCGCGCACGTGCGCCAGCGCCTAGACGACGAGGCCCGGCAGC-3'
Protein context (NP_066554.2, residues 162-182): AARGQLRLEQ[Glu172Lys]HLLEDIAHVR